The following is an entry in ClinVar:

NM_015450.3(POT1):c.1289A>C (p.Lys430Thr)

Gene: POT1 (protection of telomeres 1; minus strand). Cytogenetic location: 7q31.33.
Variant type: single nucleotide variant.
Coding change: c.1289A>C on transcript NM_015450.3 (MANE Select); coding-DNA position 1289, A replaced by C.
Protein change: p.Lys430Thr; replaces lysine 430 with threonine.
Molecular consequence: missense variant. On other transcripts: non-coding transcript variant (3).
Genome position (GRCh38, 1-based): chr7:124,841,053, T>G on the plus strand (A>C on the coding strand, the complement: POT1 is on the minus strand). VCF-style: chr7-124841053-T-G. GRCh37 (hg19) VCF-style: chr7-124481107-T-G.
Other names: c.896A>C, p.Lys299Thr (NM_001042594.2); short protein forms K299T, K430T.
Identifiers: ClinVar variation 1337614 (VCV001337614.10), dbSNP rs2116461480, ClinGen allele CA369067075.

ClinVar aggregate classification (germline): Uncertain significance. Review status: criteria provided, multiple submitters, no conflicts (2 of 4 stars). 3 submissions from 3 submitters: Uncertain significance (3). Last evaluated 2025-11-04.

Conditions:
Tumor predisposition syndrome 3 (TPDS3). Also called: Melanoma, cutaneous malignant, susceptibility to, 10; Glioma susceptibility 9; LONG TELOMERE SYNDROME, POT1-RELATED; POT1 Tumor Predisposition. Identifiers: Orphanet 618, MedGen C4014476, MONDO:0014368, OMIM 615848.
Hereditary cancer-predisposing syndrome. Also called: Neoplastic Syndromes, Hereditary; Tumor predisposition; Hereditary Cancer Syndrome; Hereditary neoplastic syndrome. Identifiers: Orphanet 140162, MedGen C0027672, MeSH D009386, MONDO:0015356.

Submissions (3):

Labcorp Genetics (formerly Invitae), Labcorp
Classification: Uncertain significance for Tumor predisposition syndrome 3. Last evaluated: 2025-11-04. Review status: criteria provided, single submitter. Criteria: Invitae Variant Classification Sherloc (09022015). Collection method: clinical testing. Allele origin: germline.
Comment: This sequence change replaces lysine, which is basic and polar, with threonine, which is neutral and polar, at codon 430 of the POT1 protein (p.Lys430Thr). This variant is not present in population databases (gnomAD no frequency). This variant has not been reported in the literature in individuals affected with POT1-related conditions. ClinVar contains an entry for this variant (Variation ID: 1337614). Invitae Evidence Modeling of protein sequence and biophysical properties (such as structural, functional, and spatial information, amino acid conservation, physicochemical variation, residue mobility, and thermodynamic stability) indicates that this missense variant is not expected to disrupt POT1 protein function with a negative predictive value of 80%. In summary, the available evidence is currently insufficient to determine the role of this variant in disease. Therefore, it has been classified as a Variant of Uncertain Significance.

Ambry Genetics
Classification: Uncertain significance for Hereditary cancer-predisposing syndrome. Last evaluated: 2024-07-02. Review status: criteria provided, single submitter. Criteria: Ambry Variant Classification Scheme 2023. Collection method: clinical testing. Allele origin: germline.
Comment: The p.K430T variant (also known as c.1289A>C), located in coding exon 10 of the POT1 gene, results from an A to C substitution at nucleotide position 1289. The lysine at codon 430 is replaced by threonine, an amino acid with similar properties. This amino acid position is conserved. In addition, this alteration is predicted to be tolerated by in silico analysis. Since supporting evidence is limited at this time, the clinical significance of this alteration remains unclear.

Genetic Services Laboratory, University of Chicago
Classification: Uncertain significance. Last evaluated: 2020-04-14. Review status: criteria provided, single submitter. Criteria: ACMG Guidelines, 2015. Collection method: clinical testing. Allele origin: germline. Affected: no.
Comment: DNA sequence analysis of the POT1 gene demonstrated a sequence change, c.1289A>C, in exon 14 that results in an amino acid change, p.Lys430Thr. This sequence change does not appear to have been previously described in patients with POT1-related disorders and has also not been described in population databases (gnomAD, ExAC). The p.Lys430Thr change affects a poorly conserved amino acid residue located in a domain of the POT1 protein that is not known to be functional. The p.Lys430Thr substitution appears to be benign using several in-silico pathogenicity prediction tools (SIFT, PolyPhen2, Align GVGD, REVEL). Due to these contrasting evidences and the lack of functional studies, the clinical significance of the p.Lys430Thr change remains unknown at this time.